The following is an entry in ClinVar:

NM_152594.3(SPRED1):c.104G>C (p.Gly35Ala)

Gene: SPRED1 (sprouty related EVH1 domain containing 1; plus strand). Cytogenetic location: 15q14.
Variant type: single nucleotide variant.
Coding change: c.104G>C on transcript NM_152594.3 (MANE Select); coding-DNA position 104, G replaced by C.
Protein change: p.Gly35Ala; replaces glycine 35 with alanine.
Molecular consequence: missense variant.
Genome position (GRCh38, 1-based): chr15:38,299,444, G>C. VCF-style: chr15-38299444-G-C. GRCh37 (hg19) VCF-style: chr15-38591645-G-C.
Other names: short protein forms G35A.
Identifiers: ClinVar variation 4174029 (VCV004174029.1).

ClinVar aggregate classification (germline): Uncertain significance (1 of 4 stars; one submission).

Conditions:
Cardiovascular phenotype. Identifiers: MedGen CN230736.

Submission:

Ambry Genetics
Classification: Uncertain significance for Cardiovascular phenotype. Last evaluated: 2025-07-06. Review status: criteria provided, single submitter. Criteria: Ambry Variant Classification Scheme 2023. Collection method: clinical testing. Allele origin: germline.
Comment: The p.G35A variant (also known as c.104G>C), located in coding exon 2 of the SPRED1 gene, results from a G to C substitution at nucleotide position 104. The glycine at codon 35 is replaced by alanine, an amino acid with similar properties. This amino acid position is conserved. In addition, the in silico prediction for this alteration is inconclusive. Based on the available evidence, the clinical significance of this variant remains unclear.